The following is an entry in ClinVar:

NM_004646.4(NPHS1):c.1745_1749del (p.Lys582fs)

Gene: NPHS1 (NPHS1 adhesion molecule, nephrin; minus strand). Cytogenetic location: 19q13.12.
Variant type: Deletion.
Coding change: c.1745_1749del on transcript NM_004646.4 (MANE Select); coding-DNA positions 1745 to 1749, 5 bases deleted (AGGAA; older notation c.1745_1749delAGGAA).
Protein change: p.Lys582fs; shifts the reading frame from lysine 582.
Molecular consequence: frameshift variant.
Genome position (GRCh38, 1-based): chr19:35,845,677-35,845,681, TTCCT deleted on the plus strand (AGGAA on the coding strand, the reverse complement: NPHS1 is on the minus strand); deleting any 5 consecutive bases within chr19:35,845,677-35,845,682 gives the same sequence; the c. name uses the placement nearest the transcript's 3' end. VCF-style (leftmost placement, unchanged base first): chr19-35845676-CTTCCT-C. GRCh37 (hg19) VCF-style: chr19-36336578-CTTCCT-C.
Other names: c.1744_1748delAAGGA, p.Lys582Argfs (NM_004646.3); short protein forms K582fs.
Identifiers: ClinVar variation 1809716 (VCV001809716.4), dbSNP rs2513773731, ClinGen allele CA2580096850.

ClinVar aggregate classification (germline): Pathogenic. Review status: criteria provided, multiple submitters, no conflicts (2 of 4 stars). 2 submissions from 2 submitters: Pathogenic (2). Last evaluated 2025-02-03.

Conditions:
Finnish congenital nephrotic syndrome (NPHS1). Also called: NEPHROTIC SYNDROME, TYPE 1. Identifiers: Orphanet 839, MedGen C0403399, MONDO:0009732, OMIM 256300.

Submissions (2):

Natera, Inc.
Classification: Pathogenic for Finnish congenital nephrotic syndrome. Last evaluated: 2025-02-03. Review status: criteria provided, single submitter. Criteria: Natera Variant Classification Schema (03/2026). Collection method: clinical testing. Allele origin: germline.
Comment: The c.1745_1749del variant in NPHS1 is a frameshift variant predicted to shift the reading frame beginning at codon 582 and leads to a stop codon 90 codons downstream. This variant is expected to result in nonsense mediated decay, truncation, or a dysfunctional protein product. This variant is rare in the general population with a frequency below the threshold expected for the associated phenotype(s). This variant has been observed in one or more individuals affected with the associated recessive disease, as either homozygous or compound heterozygous with a second variant (PMID: 33587123). Given the available evidence, this variant is classified as Pathogenic.

Athena Diagnostics
Classification: Pathogenic. Last evaluated: 2019-11-08. Review status: criteria provided, single submitter. Criteria: Athena Diagnostics Criteria. Collection method: clinical testing. Allele origin: unknown.
Comment: This variant is expected to result in the loss of a functional protein. This variant has been identified in at least one individual with clinical features associated with this gene. This variant has not been reported in large, multi-ethnic general populations.This observation is not an independent occurrence and has been identified in the same individual by RCIGM, the other laboratory participating in the GEMINI study.

Literature cited by the submitters: PubMed 33587123 (cited by Natera, Inc.).